The following is an entry in ClinVar:

ClinVar aggregate classification (germline): Uncertain significance. Review status: criteria provided, multiple submitters, no conflicts (2 of 4 stars). 3 submissions from 3 submitters: Uncertain significance (3). Last evaluated 2025-09-01.

Conditions:
Inborn genetic diseases. Identifiers: MedGen C0950123, MeSH D030342.
Metaphyseal chondrodysplasia, Schmid type (MCDS). Also called: SPONDYLOMETAPHYSEAL DYSPLASIA, JAPANESE TYPE. Identifiers: Orphanet 174, MedGen C0265289, MONDO:0007983, OMIM 156500.

gnomAD v4.1: 22 of 1,613,774 alleles (0.0014%); highest among the groups gnomAD compares: Admixed American, 0.033%; no homozygotes.

Submissions (3):

Labcorp Genetics (formerly Invitae), Labcorp
Classification: Uncertain significance. Last evaluated: 2025-09-01. Review status: criteria provided, single submitter. Criteria: Invitae Variant Classification Sherloc (09022015). Collection method: clinical testing. Allele origin: germline.
Comment: This sequence change replaces asparagine, which is neutral and polar, with tyrosine, which is neutral and polar, at codon 342 of the COL10A1 protein (p.Asn342Tyr). This variant is present in population databases (rs757461621, gnomAD 0.05%). This variant has not been reported in the literature in individuals affected with COL10A1-related conditions. ClinVar contains an entry for this variant (Variation ID: 3717822). Invitae Evidence Modeling of protein sequence and biophysical properties (such as structural, functional, and spatial information, amino acid conservation, physicochemical variation, residue mobility, and thermodynamic stability) has been performed for this missense variant. However, the output from this modeling did not meet the statistical confidence thresholds required to predict the impact of this variant on COL10A1 protein function. In summary, the available evidence is currently insufficient to determine the role of this variant in disease. Therefore, it has been classified as a Variant of Uncertain Significance.

Ambry Genetics
Classification: Uncertain significance for Inborn genetic diseases. Last evaluated: 2025-01-24. Review status: criteria provided, single submitter. Criteria: Ambry Variant Classification Scheme 2023. Collection method: clinical testing. Allele origin: germline.

ARUP Laboratories, Molecular Genetics and Genomics, ARUP Laboratories
Classification: Uncertain significance for Metaphyseal chondrodysplasia, Schmid type. Last evaluated: 2024-09-06. Review status: criteria provided, single submitter. Criteria: ARUP Molecular Germline Variant Investigation Process 2024. Collection method: clinical testing. Allele origin: germline.
Comment: The COL10A1 c.1024A>T; p.Asn342Tyr variant (rs757461621), to our knowledge, is not reported in the medical literature or gene specific databases. This variant is observed in the Latino population with an allele frequency of 0.05% (17/35392 alleles) in the Genome Aggregation Database (v2.1.1). Computational analyses are uncertain whether this variant is neutral or deleterious (REVEL: 0.237). Due to limited information, the clinical significance of this variant is uncertain at this time.

NM_000493.4(COL10A1):c.1024A>T (p.Asn342Tyr)

Genes: COL10A1 (collagen type X alpha 1 chain; minus strand), NT5DC1 (5'-nucleotidase domain containing 1; plus strand). Cytogenetic location: 6q22.1.
Variant type: single nucleotide variant.
Coding change: c.1024A>T on transcript NM_000493.4 (MANE Select); coding-DNA position 1024, A replaced by T.
Protein change: p.Asn342Tyr; replaces asparagine 342 with tyrosine.
Molecular consequence: missense variant. On other transcripts: intron variant (1).
Genome position (GRCh38, 1-based): chr6:116,121,092, T>A on the plus strand (A>T on the coding strand, the complement: COL10A1 is on the minus strand). VCF-style: chr6-116121092-T-A. GRCh37 (hg19) VCF-style: chr6-116442255-T-A.
Other names: c.1024A>T (NM_000493.3); c.1024A>T, p.Asn342Tyr (NM_001424106.1, NM_001424107.1); c.529+3147T>A (NM_152729.3); short protein forms N342Y.
Identifiers: ClinVar variation 3717822 (VCV003717822.4).